The following is an entry in ClinVar:

NM_006231.4(POLE):c.6820C>G (p.Leu2274Val)

Gene: POLE (DNA polymerase epsilon, catalytic subunit; minus strand). Cytogenetic location: 12q24.33.
Variant type: single nucleotide variant.
Coding change: c.6820C>G on transcript NM_006231.4 (MANE Select); coding-DNA position 6820, C replaced by G.
Protein change: p.Leu2274Val; replaces leucine 2274 with valine.
Molecular consequence: missense variant.
Genome position (GRCh38, 1-based): chr12:132,624,738, G>C on the plus strand (C>G on the coding strand, the complement: POLE is on the minus strand). VCF-style: chr12-132624738-G-C. GRCh37 (hg19) VCF-style: chr12-133201324-G-C.
Other names: short protein forms L2274V.
Identifiers: ClinVar variation 240622 (VCV000240622.47), dbSNP rs148788180, ClinGen allele CA6891954.

ClinVar aggregate classification (germline): Benign/Likely benign. Review status: criteria provided, multiple submitters, no conflicts (2 of 4 stars). 16 submissions from 16 submitters: Benign (7); Likely benign (7). 2 of the submissions do not count toward it. Last evaluated 2026-03-30.

Conditions:
Familial colorectal cancer type X. Identifiers: Orphanet 440437, MedGen C3896578, MONDO:0018604.
Polymerase proofreading-related adenomatous polyposis. Also called: Polymerase proofreading associated polyposis; Polymerase proofreading–associated polyposis (PPAP). Identifiers: Orphanet 447877, MedGen C5202613, MONDO:0018653.
Hereditary cancer-predisposing syndrome. Also called: Hereditary Cancer Syndrome; Tumor predisposition; Hereditary neoplastic syndrome; Neoplastic Syndromes, Hereditary. Identifiers: Orphanet 140162, MedGen C0027672, MeSH D009386, MONDO:0015356.
Colorectal cancer, susceptibility to, 12 (CRCS12). Also called: COLORECTAL CANCER, SUSCEPTIBILITY TO, ON CHROMOSOME 12q24. Identifiers: Orphanet 220460, MedGen C3554460, MONDO:0014038, OMIM 615083.

Allele frequency attached by ClinVar (database versions not stated): gnomAD exomes 0.00029 and 0.00088; ExAC 0.00091; gnomAD 0.00271 and 0.00284; ESP Exome Variant Server 0.00284; TOPMed 0.00296; 1000 Genomes Project 0.00359; 1000 Genomes Project 30x 0.00359.
gnomAD v4.1: 869 of 1,613,742 alleles (0.054%); highest among the groups gnomAD compares: African/African-American, 0.89%; 6 homozygotes.

Submissions (16):

Women's Health and Genetics/Laboratory Corporation of America, LabCorp
Classification: Likely benign. Last evaluated: 2026-03-30. Review status: criteria provided, single submitter. Criteria: LabCorp Variant Classification Summary - May 2015. Collection method: clinical testing. Allele origin: germline.
Comment: Variant summary: POLE c.6820C>G (p.Leu2274Val) results in a conservative amino acid change in the encoded protein sequence. Algorithms developed to predict the effect of missense changes on protein structure and function all suggest that this variant is likely to be tolerated. The variant allele was found at a frequency of 0.00088 in 250994 control chromosomes, predominantly at a frequency of 0.01 within the African or African-American subpopulation in the gnomAD database, including 3 homozygotes. The observed variant frequency within African or African-American control individuals in the gnomAD database exceeds the estimated maximal expected allele frequency for disease-causing variants in POLE. c.6820C>G has been observed in families affected with Colorectal Cancer (Mur_2020). This report does not provide unequivocal conclusions about association of the variant with Colorectal Cancer. To our knowledge, no experimental evidence demonstrating an impact on protein function has been reported. The following publication has been ascertained in the context of this evaluation (PMID: 32792570). ClinVar contains an entry for this variant (Variation ID: 240622). Based on the evidence outlined above, the variant was classified as likely benign.

Labcorp Genetics (formerly Invitae), Labcorp
Classification: Benign. Last evaluated: 2026-02-04. Review status: criteria provided, single submitter. Criteria: Invitae Variant Classification Sherloc (09022015). Collection method: clinical testing. Allele origin: germline.

Center for Genomic Medicine, Rigshospitalet, Copenhagen University Hospital
Classification: Likely benign. Last evaluated: 2025-03-04. Review status: criteria provided, single submitter. Criteria: ACMG Guidelines, 2015. Collection method: clinical testing. Allele origin: germline.

Institute for Biomarker Research, Medical Diagnostic Laboratories, L.L.C.
Classification: Benign for Hereditary cancer-predisposing syndrome. Last evaluated: 2025-01-20. Review status: criteria provided, single submitter. Criteria: ACMG Guidelines, 2015. Collection method: clinical testing. Allele origin: germline.
Comment: The missense variant NM_006231.4(POLE):c.6820C>G (p.Leu2274Val) has been reported to ClinVar as Benign/Likely benign with a status of (2 stars) criteria provided, multiple submitters, no conflicts (Variation ID 240622 as of 2025-01-02). There is a small physicochemical difference between leucine and valine, which is not likely to impact secondary protein structure as these residues share similar properties. The gene POLE has a low rate of benign missense variation as indicated by a high missense variants Z-Score of 2.65. The gene POLE contains 12 pathogenic missense variants, indicating that missense variants are a common mechanism of disease in this gene. For these reasons, this variant has been classified as Benign

Blueprint Genetics
Classification: Likely benign. Last evaluated: 2024-11-25. Review status: criteria provided, single submitter. Criteria: ACMG Guidelines, 2015. Collection method: clinical testing. Allele origin: germline.

KCCC/NGS Laboratory, Kuwait Cancer Control Center
Classification: Benign for Colorectal cancer, susceptibility to, 12. Last evaluated: 2023-07-07. Review status: criteria provided, single submitter. Criteria: ACMG Guidelines, 2015. Collection method: clinical testing. Allele origin: germline. Affected: yes.

GeneDx
Classification: Likely benign. Last evaluated: 2021-03-05. Review status: criteria provided, single submitter. Criteria: GeneDx Variant Classification Process June 2021. Collection method: clinical testing. Allele origin: germline. Affected: yes.
Comment: This variant is associated with the following publications: (PMID: 22885699, 33256706)

Sema4
Classification: Benign for Hereditary cancer-predisposing syndrome. Last evaluated: 2020-07-20. Review status: criteria provided, single submitter. Criteria: Sema4 Curation Guidelines. Collection method: curation. Allele origin: germline.

Genetic Services Laboratory, University of Chicago
Classification: Likely benign. Last evaluated: 2020-02-27. Review status: criteria provided, single submitter. Criteria: ACMG Guidelines, 2015. Collection method: clinical testing. Allele origin: germline. Affected: no.

Department of Pathology and Laboratory Medicine, Sinai Health System
Classification: Benign for Polymerase proofreading-related adenomatous polyposis; Familial colorectal cancer type X. Last evaluated: 2019-10-23. Review status: criteria provided, single submitter. Criteria: ACMG Guidelines, 2015. Collection method: clinical testing. Allele origin: germline. Affected: yes.

Quest Diagnostics Nichols Institute San Juan Capistrano
Classification: Benign. Last evaluated: 2018-05-06. Review status: criteria provided, single submitter. Criteria: Quest Diagnostics criteria. Collection method: clinical testing. Allele origin: unknown.

Eurofins Ntd Llc (ga)
Classification: Likely benign. Last evaluated: 2017-08-21. Review status: criteria provided, single submitter. Criteria: EGL Classification Definitions 2015. Collection method: clinical testing. Allele origin: germline. Observed: 1 variant allele, 1 heterozygote.

PreventionGenetics, part of Exact Sciences
Classification: Benign. Last evaluated: 2016-12-12. Review status: criteria provided, single submitter. Criteria: ACMG Guidelines, 2015. Collection method: clinical testing. Allele origin: germline.

Ambry Genetics
Classification: Likely benign for Hereditary cancer-predisposing syndrome. Last evaluated: 2015-06-30. Review status: criteria provided, single submitter. Criteria: Ambry Variant Classification Scheme 2023. Collection method: clinical testing. Allele origin: germline.

Clinical Genetics, Academic Medical Center
Classification: Likely benign. Review status: no assertion criteria provided. Collection method: clinical testing. Allele origin: germline. Affected: yes. Study: VKGL Data-share Consensus. Not counted in ClinVar's aggregate classification.

Genome Diagnostics Laboratory, Amsterdam University Medical Center
Classification: Likely benign. Review status: no assertion criteria provided. Collection method: clinical testing. Allele origin: germline. Affected: yes. Study: VKGL Data-share Consensus. Not counted in ClinVar's aggregate classification.

Literature cited by the submitters: PubMed 32792570 (cited by Women's Health and Genetics/Laboratory Corporation of America, LabCorp).